The following is an entry in ClinVar:

ClinVar aggregate classification (germline): Pathogenic (1 of 4 stars; one submission).

Conditions:
Hereditary spastic paraplegia 45. Also called: Spastic paraplegia 45, autosomal recessive; SPASTIC PARAPLEGIA 45. Identifiers: Orphanet 320396, MedGen C3888209, MONDO:0013165, OMIM 613162.

Submission:

Labcorp Genetics (formerly Invitae), Labcorp
Classification: Pathogenic for Hereditary spastic paraplegia 45. Last evaluated: 2018-11-07. Review status: criteria provided, single submitter. Criteria: Invitae Variant Classification Sherloc (09022015). Collection method: clinical testing. Allele origin: germline.
Comment: For these reasons, this variant has been classified as Pathogenic. Loss-of-function variants in NT5C2 are known to be pathogenic (PMID: 24482476). This variant has not been reported in the literature in individuals with NT5C2-related disease. A gross deletion of the genomic region encompassing the full coding sequence of the NT5C2 gene has been identified. The boundaries of this event are unknown as the deletion extends beyond the assayed region for this gene and therefore may encompass additional genes.

Literature cited by the submitters: PubMed 24482476.

NC_000010.11:g.(?_103089662)_(103174968_?)del

Genes: CNNM2 (cyclin and CBS domain divalent metal cation transport mediator 2; plus strand), NT5C2 (5'-nucleotidase, cytosolic II; minus strand), LOC130004629 (ATAC-STARR-seq lymphoblastoid active region 3953; plus strand). Cytogenetic location: 10q24.32-24.33.
Variant type: Deletion.
Identifiers: ClinVar variation 642627 (VCV000642627.6).